The following is an entry in ClinVar:

NM_005876.5(SPEG):c.3345C>T (p.Asp1115=)

Gene: SPEG (striated muscle enriched protein kinase; plus strand). Cytogenetic location: 2q35.
Variant type: single nucleotide variant.
Coding change: c.3345C>T on transcript NM_005876.5 (MANE Select); coding-DNA position 3345, C replaced by T.
Protein change: p.Asp1115=; no amino-acid change (aspartic acid 1115 retained).
Molecular consequence: synonymous variant.
Genome position (GRCh38, 1-based): chr2:219,468,902, C>T. VCF-style: chr2-219468902-C-T. GRCh37 (hg19) VCF-style: chr2-220333624-C-T.
Identifiers: ClinVar variation 716625 (VCV000716625.46), dbSNP rs185911101, ClinGen allele CA2126147.

ClinVar aggregate classification (germline): Likely benign. Review status: criteria provided, multiple submitters, no conflicts (2 of 4 stars). 3 submissions from 3 submitters: Likely benign (3). Last evaluated 2025-12-21.

Allele frequency attached by ClinVar (database versions not stated): gnomAD 0.00039 and 0.00042; 1000 Genomes Project 0.00040; ExAC 0.00009; TOPMed 0.00045; 1000 Genomes Project 30x 0.00047; ESP Exome Variant Server 0.00048.
gnomAD v4.1: 137 of 1,613,642 alleles (0.0085%); highest among the groups gnomAD compares: African/African-American, 0.13%; 1 homozygote.

Submissions (3):

Labcorp Genetics (formerly Invitae), Labcorp
Classification: Likely benign. Last evaluated: 2025-12-21. Review status: criteria provided, single submitter. Criteria: Invitae Variant Classification Sherloc (09022015). Collection method: clinical testing. Allele origin: germline.

Blueprint Genetics
Classification: Likely benign. Last evaluated: 2024-11-13. Review status: criteria provided, single submitter. Criteria: ACMG Guidelines, 2015. Collection method: clinical testing. Allele origin: germline.

CeGaT Center for Human Genetics Tuebingen
Classification: Likely benign. Last evaluated: 2023-12-01. Review status: criteria provided, single submitter. Criteria: CeGaT Center For Human Genetics Tuebingen Variant Classification Criteria Version 2. Collection method: clinical testing. Allele origin: germline. Affected: yes. Observed: 2 variant alleles.
Comment: SPEG: BP4, BP7